The following is an entry in ClinVar:

ClinVar aggregate classification (germline): Uncertain significance. Review status: criteria provided, multiple submitters, no conflicts (2 of 4 stars). 2 submissions from 2 submitters: Uncertain significance (2). Last evaluated 2024-04-05.

Conditions:
Fraser syndrome 1 (FRASRS1). Also called: CRYPTOPHTHALMOS WITH OTHER MALFORMATIONS. Identifiers: Orphanet 2052, MedGen C4551480, MONDO:0054737, OMIM 219000.

gnomAD v4.1: 18 of 1,612,716 alleles (0.0011%); highest among the groups gnomAD compares: East Asian, 0.018%; no homozygotes.

Submissions (2):

Fulgent Genetics
Classification: Uncertain significance for Fraser syndrome 1. Last evaluated: 2024-04-05. Review status: criteria provided, single submitter. Criteria: ACMG Guidelines, 2015. Collection method: clinical testing. Allele origin: germline.

Juno Genomics, Hangzhou Juno Genomics, Inc
Classification: Uncertain significance for Fraser syndrome 1. Review status: criteria provided, single submitter. Criteria: ACMG Guidelines, 2015. Collection method: clinical testing. Allele origin: germline.
Comment: Absent from controls (or at extremely low frequency if recessive) in Genome Aggregation Database.;Multiple lines of computational evidence support a deleterious effect on the gene or gene product.

NM_025074.7(FRAS1):c.5960A>G (p.Asp1987Gly)

Gene: FRAS1 (Fraser extracellular matrix complex subunit 1; plus strand). Cytogenetic location: 4q21.21.
Variant type: single nucleotide variant.
Coding change: c.5960A>G on transcript NM_025074.7 (MANE Select); coding-DNA position 5960, A replaced by G.
Protein change: p.Asp1987Gly; replaces aspartic acid 1987 with glycine.
Molecular consequence: missense variant.
Genome position (GRCh38, 1-based): chr4:78,446,830, A>G. VCF-style: chr4-78446830-A-G. GRCh37 (hg19) VCF-style: chr4-79367984-A-G.
Other names: short protein forms D1987G.
Identifiers: ClinVar variation 3591045 (VCV003591045.3).
Genomic context (GRCh38, chr4:78,446,830, plus strand): 5'-GAGTGCAGCTGAGCTCGGGAGTGGTGATAAGCAATTCTTCTTTGAGCCTGCAAGACCTGG[A>G]CACCCCAGATAATGAGCTCATTTTTGTATTGACAAAAAAGCCTGACCACGGTAGGGCACG-3'
Protein context (NP_079350.5, residues 1977-1997): SNSSLSLQDL[Asp1987Gly]TPDNELIFVL